The following is an entry in ClinVar:

NM_000390.4(CHM):c.1413+1G>A

Gene: CHM (CHM Rab escort protein; minus strand). Cytogenetic location: Xq21.2.
Variant type: single nucleotide variant.
Coding change: c.1413+1G>A on transcript NM_000390.4 (MANE Select); the canonical splice donor site of the intron after coding-DNA position 1413, G replaced by A.
Molecular consequence: splice donor variant.
Genome position (GRCh38, 1-based): chrX:85,900,645, C>T on the plus strand (G>A on the coding strand, the complement: CHM is on the minus strand). VCF-style: chrX-85900645-C-T. GRCh37 (hg19) VCF-style: chrX-85155650-C-T.
Other names: c.969+1G>A (NM_001362519.1, NM_001362517.1, NM_001320959.1 and 1 more transcripts).
Identifiers: ClinVar variation 1073119 (VCV001073119.10), dbSNP rs1926202120, ClinGen allele CA413789195.

ClinVar aggregate classification (germline): Pathogenic/Likely pathogenic. Review status: criteria provided, multiple submitters, no conflicts (2 of 4 stars). 2 submissions from 2 submitters: Pathogenic (1); Likely pathogenic (1). Last evaluated 2026-05-12.

Conditions:
Choroideremia. Also called: Chorioretinal scalloped atrophy. Identifiers: Orphanet 180, MedGen C0008525, MONDO:0010557, OMIM 303100, HP:0001139.

Submissions (2):

Myriad Genetics, Inc.
Classification: Likely pathogenic for Choroideremia. Last evaluated: 2026-05-12. Review status: criteria provided, single submitter. Criteria: Myriad Autosomal Dominant, Autosomal Recessive and X-Linked Classification Criteria (2023). Collection method: clinical testing. Allele origin: unknown.
Comment: NM_000390.2(CHM):c.1413+1G>A is a variant in a canonical splice site classified as likely pathogenic in the context of X-linked choroideremia. c.1413+1G>A has been observed in a case with relevant disease (PMID: 18766988). Relevant functional assessments of this variant are not available in the literature. c.1413+1G>A has not been observed in referenced population frequency databases. In summary, NM_000390.2(CHM):c.1413+1G>A is a variant in a canonical splice site in a gene where loss of function is a known mechanism of disease, is predicted to disrupt protein function, and has been observed more frequently in cases with the relevant disease than in healthy populations. Please note: this variant was assessed in the context of healthy population screening.

Labcorp Genetics (formerly Invitae), Labcorp
Classification: Pathogenic. Last evaluated: 2025-09-09. Review status: criteria provided, single submitter. Criteria: Invitae Variant Classification Sherloc (09022015). Collection method: clinical testing. Allele origin: germline.
Comment: This sequence change affects a donor splice site in intron 11 of the CHM gene. It is expected to disrupt RNA splicing. Variants that disrupt the donor or acceptor splice site typically lead to a loss of protein function (PMID: 16199547), and loss-of-function variants in CHM are known to be pathogenic (PMID: 9067750, 23811034). This variant is not present in population databases (gnomAD no frequency). Disruption of this splice site has been observed in individual(s) with clinical features of choroideremia (PMID: 18766988). It has also been observed to segregate with disease in related individuals. ClinVar contains an entry for this variant (Variation ID: 1073119). Algorithms developed to predict the effect of sequence changes on RNA splicing suggest that this variant may disrupt the consensus splice site. For these reasons, this variant has been classified as Pathogenic.

Literature cited by the submitters: PubMed 18766988 (cited by Myriad Genetics, Inc. and Labcorp Genetics (formerly Invitae), Labcorp); PubMed 16199547 (cited by Labcorp Genetics (formerly Invitae), Labcorp); PubMed 9067750 (cited by Labcorp Genetics (formerly Invitae), Labcorp); PubMed 23811034 (cited by Labcorp Genetics (formerly Invitae), Labcorp).